The following is an entry in ClinVar:

ClinVar aggregate classification (germline): Uncertain significance (1 of 4 stars; one submission).

Conditions:
Inborn genetic diseases. Identifiers: MedGen C0950123, MeSH D030342.

Allele frequency attached by ClinVar (database versions not stated): gnomAD exomes below 0.00001.

Submission:

Ambry Genetics
Classification: Uncertain significance for Inborn genetic diseases. Last evaluated: 2021-08-06. Review status: criteria provided, single submitter. Criteria: Ambry Variant Classification Scheme 2023. Collection method: clinical testing. Allele origin: germline.
Comment: The p.G406R variant (also known as c.1216G>A), located in coding exon 9 of the BUB1B gene, results from a G to A substitution at nucleotide position 1216. The glycine at codon 406 is replaced by arginine, an amino acid with dissimilar properties. This amino acid position is conserved. In addition, the in silico prediction for this alteration is inconclusive. Since supporting evidence is limited at this time, the clinical significance of this alteration remains unclear.

NM_001211.6(BUB1B):c.1216G>A (p.Gly406Arg)

Gene: BUB1B (BUB1 mitotic checkpoint serine/threonine kinase B; plus strand). Cytogenetic location: 15q15.1.
Variant type: single nucleotide variant.
Coding change: c.1216G>A on transcript NM_001211.6 (MANE Select); coding-DNA position 1216, G replaced by A.
Protein change: p.Gly406Arg; replaces glycine 406 with arginine.
Molecular consequence: missense variant.
Genome position (GRCh38, 1-based): chr15:40,196,702, G>A. VCF-style: chr15-40196702-G-A. GRCh37 (hg19) VCF-style: chr15-40488903-G-A.
Other names: short protein forms G406R.
Identifiers: ClinVar variation 1751759 (VCV001751759.2), dbSNP rs2542550609, ClinGen allele CA391687457.
Genomic context (GRCh38, chr15:40,196,702, plus strand): 5'-CAGCAAGCGTCTGAGGAGAAGAAAGAGAAGATGATGTATTGTAAGGAGAAGATTTATGCA[G>A]GAGTAGGGGAATTCTCCTTTGAAGAAATTCGGGCTGAAGTTTTCCGGAAGAAATTAAAAG-3'
Protein context (NP_001202.5, residues 396-416): MMYCKEKIYA[Gly406Arg]VGEFSFEEIR